The following is an entry in ClinVar:

ClinVar aggregate classification (germline): Likely benign (1 of 4 stars; one submission).

gnomAD v4.1: 26 of 1,614,004 alleles (0.0016%); highest among the groups gnomAD compares: Non-Finnish European, 0.0021%; no homozygotes.

Submission:

Mayo Clinic Laboratories, Mayo Clinic
Classification: Likely benign. Last evaluated: 2025-09-22. Review status: criteria provided, single submitter. Criteria: ACMG Guidelines, 2015. Collection method: clinical testing. Allele origin: germline. Observed: 1 variant allele.
Comment: BP4, BP7

NM_001097577.3(ANG):c.*4G>A

Genes: ANG (angiogenin; plus strand), EGILA (EGFR interacting lncRNA; minus strand), RNASE4 (ribonuclease A family member 4; plus strand). Cytogenetic location: 14q11.2.
Variant type: single nucleotide variant.
Coding change: c.*4G>A on transcript NM_001097577.3 (MANE Select); 4 bases downstream of the stop codon, G replaced by A.
Molecular consequence: 3 prime UTR variant. On other transcripts: intron variant (4).
Genome position (GRCh38, 1-based): chr14:20,694,012, G>A. VCF-style: chr14-20694012-G-A. GRCh37 (hg19) VCF-style: chr14-21162171-G-A.
Other names: c.*4G>A (NM_001145.4, NM_001385271.1, NM_001385272.1 and 2 more transcripts); c.-18+362G>A (NM_001282192.2); c.-17-5343G>A (NM_002937.5, NM_001282193.2); c.-18+5138G>A (NM_194431.3).
Identifiers: ClinVar variation 4683838 (VCV004683838.1).